The following is an entry in ClinVar:

ClinVar aggregate classification (germline): Uncertain significance (1 of 4 stars; one submission).

Submission:

Labcorp Genetics (formerly Invitae), Labcorp
Classification: Uncertain significance. Last evaluated: 2022-08-15. Review status: criteria provided, single submitter. Criteria: Invitae Variant Classification Sherloc (09022015). Collection method: clinical testing. Allele origin: germline.
Comment: This sequence change replaces threonine, which is neutral and polar, with proline, which is neutral and non-polar, at codon 71 of the FASTKD2 protein (p.Thr71Pro). This variant is not present in population databases (gnomAD no frequency). This variant has not been reported in the literature in individuals affected with FASTKD2-related conditions. In summary, the available evidence is currently insufficient to determine the role of this variant in disease. Therefore, it has been classified as a Variant of Uncertain Significance. Algorithms developed to predict the effect of missense changes on protein structure and function output the following: SIFT: "Tolerated"; PolyPhen-2: "Benign"; Align-GVGD: "Class C0". The proline amino acid residue is found in multiple mammalian species, which suggests that this missense change does not adversely affect protein function. ClinVar contains an entry for this variant (Variation ID: 1511698).

NM_001136193.2(FASTKD2):c.211A>C (p.Thr71Pro)

Gene: FASTKD2 (FAST kinase domains 2; plus strand). Cytogenetic location: 2q33.3.
Variant type: single nucleotide variant.
Coding change: c.211A>C on transcript NM_001136193.2 (MANE Select); coding-DNA position 211, A replaced by C.
Protein change: p.Thr71Pro; replaces threonine 71 with proline.
Molecular consequence: missense variant.
Genome position (GRCh38, 1-based): chr2:206,766,904, A>C. VCF-style: chr2-206766904-A-C. GRCh37 (hg19) VCF-style: chr2-207631628-A-C.
Other names: c.211A>C, p.Thr71Pro (NM_001136194.2, NM_014929.4); short protein forms T71P.
Identifiers: ClinVar variation 1511698 (VCV001511698.8), dbSNP rs2105969861, ClinGen allele CA350069034.